The following is an entry in ClinVar:

NM_000203.5(IDUA):c.1546dup (p.Arg516fs)

Gene: IDUA (alpha-L-iduronidase; plus strand). Cytogenetic location: 4p16.3.
Variant type: Duplication.
Coding change: c.1546dup on transcript NM_000203.5 (MANE Select); coding-DNA position 1546, one base duplicated (C; older notation c.1546dupC).
Protein change: p.Arg516fs; shifts the reading frame from arginine 516.
Molecular consequence: frameshift variant. On other transcripts: non-coding transcript variant (1).
Genome position (GRCh38, 1-based): chr4:1,003,366, C duplicated; the last of 4 consecutive C bases (chr4:1,003,363-1,003,366); duplicating any one gives the same sequence. VCF-style (leftmost placement, unchanged base first): chr4-1003362-G-GC. GRCh37 (hg19) VCF-style: chr4-997150-G-GC.
Other names: c.1546dupC (NM_000203.5); c.1150dup, p.Arg384fs (NM_001363576.1); short protein forms R384fs, R516fs.
Identifiers: ClinVar variation 1452415 (VCV001452415.7), dbSNP rs2153022895, ClinGen allele CA2573137578.

ClinVar aggregate classification (germline): Pathogenic. Review status: criteria provided, multiple submitters, no conflicts (2 of 4 stars). 2 submissions from 2 submitters: Pathogenic (2). Last evaluated 2024-12-03.

Conditions:
Mucopolysaccharidosis type 1. Also called: Mucopolysaccharidosis Type I; IDUA deficiency; MPS I. Identifiers: Orphanet 579, MedGen C0023786, MONDO:0001586.

Submissions (2):

Women's Health and Genetics/Laboratory Corporation of America, LabCorp
Classification: Pathogenic for Mucopolysaccharidosis type 1. Last evaluated: 2024-12-03. Review status: criteria provided, single submitter. Criteria: LabCorp Variant Classification Summary - May 2015. Collection method: clinical testing. Allele origin: germline.
Comment: Variant summary: IDUA c.1546dupC (p.Arg516ProfsX56) results in a premature termination codon, predicted to cause a truncation of the encoded protein or absence of the protein due to nonsense mediated decay, which are commonly known mechanisms for disease. The frequency data for this variant in gnomAD is considered unreliable, as metrics indicate poor data quality at this position. To our knowledge, no occurrence of c.1546dupC in individuals affected with Mucopolysaccharidosis Type 1 and no experimental evidence demonstrating its impact on protein function have been reported. ClinVar contains an entry for this variant (Variation ID: 1452415). Based on the evidence outlined above, the variant was classified as pathogenic.

Labcorp Genetics (formerly Invitae), Labcorp
Classification: Pathogenic for Mucopolysaccharidosis type 1. Last evaluated: 2023-01-03. Review status: criteria provided, single submitter. Criteria: Invitae Variant Classification Sherloc (09022015). Collection method: clinical testing. Allele origin: germline.
Comment: For these reasons, this variant has been classified as Pathogenic. ClinVar contains an entry for this variant (Variation ID: 1452415). This variant has not been reported in the literature in individuals affected with IDUA-related conditions. This variant is not present in population databases (gnomAD no frequency). This sequence change creates a premature translational stop signal (p.Arg516Profs*56) in the IDUA gene. It is expected to result in an absent or disrupted protein product. Loss-of-function variants in IDUA are known to be pathogenic (PMID: 11735025, 21480867).

Literature cited by the submitters: PubMed 11735025 (cited by Labcorp Genetics (formerly Invitae), Labcorp); PubMed 21480867 (cited by Labcorp Genetics (formerly Invitae), Labcorp).